The following is an entry in ClinVar:

NM_020964.3(EPG5):c.5886T>C (p.His1962=)

Gene: EPG5 (ectopic P-granules 5 autophagy tethering factor; minus strand). Cytogenetic location: 18q12.3.
Variant type: single nucleotide variant.
Coding change: c.5886T>C on transcript NM_020964.3 (MANE Select); coding-DNA position 5886, T replaced by C.
Protein change: p.His1962=; no amino-acid change (histidine 1962 retained).
Molecular consequence: synonymous variant.
Genome position (GRCh38, 1-based): chr18:45,878,432, A>G on the plus strand (T>C on the coding strand, the complement: EPG5 is on the minus strand). VCF-style: chr18-45878432-A-G. GRCh37 (hg19) VCF-style: chr18-43458397-A-G.
Other names: c.5886T>C (NM_020964.2); c.5886T>C, p.His1962= (NM_001410858.1, NM_001410859.1).
Identifiers: ClinVar variation 2722761 (VCV002722761.6), dbSNP rs766100511, ClinGen allele CA8948442.

ClinVar aggregate classification (germline): Likely benign. Review status: criteria provided, multiple submitters, no conflicts (2 of 4 stars). 3 submissions from 3 submitters: Likely benign (2). 1 of the submissions does not count toward it. Last evaluated 2025-10-26.

Conditions:
Vici syndrome (VICIS). Identifiers: Orphanet 1493, MedGen C1855772, MONDO:0009452, OMIM 242840.
EPG5-related disorder. Also called: EPG5-related condition. Identifiers: MedGen CN381528.

Allele frequency attached by ClinVar (database versions not stated): ExAC 0.00001; gnomAD 0.00001; gnomAD exomes 0.00001; TOPMed 0.00002.
gnomAD v4.1: 11 of 1,611,740 alleles (0.00068%); highest among the groups gnomAD compares: Non-Finnish European, 0.00093%; no homozygotes.

Submissions (3):

Labcorp Genetics (formerly Invitae), Labcorp
Classification: Likely benign for Vici syndrome. Last evaluated: 2025-10-26. Review status: criteria provided, single submitter. Criteria: Invitae Variant Classification Sherloc (09022015). Collection method: clinical testing. Allele origin: germline.

Blueprint Genetics
Classification: Likely benign. Last evaluated: 2023-12-18. Review status: criteria provided, single submitter. Criteria: ACMG Guidelines, 2015. Collection method: clinical testing. Allele origin: germline.

PreventionGenetics, part of Exact Sciences
Classification: Likely benign for EPG5-related condition. Last evaluated: 2019-06-28. Review status: no assertion criteria provided. Collection method: clinical testing. Allele origin: germline. Not counted in ClinVar's aggregate classification.
Comment: This variant is classified as likely benign based on ACMG/AMP sequence variant interpretation guidelines (Richards et al. 2015 PMID: 25741868, with internal and published modifications).